The following is an entry in ClinVar:

ClinVar aggregate classification (germline): Likely pathogenic (1 of 4 stars; one submission).

Conditions:
MHC class II deficiency. Also called: BLS, TYPE II; Bare lymphocyte syndrome 2. Identifiers: Orphanet 572, MedGen C5447452, MONDO:0008855.

Submission:

Natera, Inc.
Classification: Likely pathogenic for Bare lymphocyte syndrome type II. Last evaluated: 2025-08-10. Review status: criteria provided, single submitter. Criteria: Natera Variant Classification Schema (03/2026). Collection method: clinical testing. Allele origin: germline.
Comment: The c.724C>T variant in CIITA is a nonsense variant predicted to introduce a stop codon at amino acid 242. This variant is expected to result in nonsense mediated decay, truncation, or a dysfunctional protein product. This variant is rare in the general population with a frequency below the threshold expected for the associated phenotype(s). Given the available evidence, this variant is classified as Likely Pathogenic.

NM_000246.4(CIITA):c.724C>T (p.Gln242Ter)

Gene: CIITA (class II major histocompatibility complex transactivator; plus strand). Cytogenetic location: 16p13.13.
Variant type: single nucleotide variant.
Coding change: c.724C>T on transcript NM_000246.4 (MANE Select); coding-DNA position 724, C replaced by T.
Protein change: p.Gln242Ter; replaces glutamine 242 with a stop codon.
Molecular consequence: nonsense. On other transcripts: non-coding transcript variant (1).
Genome position (GRCh38, 1-based): chr16:10,902,753, C>T. VCF-style: chr16-10902753-C-T. GRCh37 (hg19) VCF-style: chr16-10996610-C-T.
Other names: c.727C>T, p.Gln243Ter (NM_001286402.1, NM_001379332.1); c.577C>T, p.Gln193Ter (NM_001286403.2, NM_001379331.1); c.580C>T, p.Gln194Ter (NM_001379330.1); c.724C>T, p.Gln242Ter (NM_001379333.1); c.655C>T, p.Gln219Ter (NM_001379334.1); short protein forms Q193*, Q194*, Q219*, Q242*, Q243*.
Identifiers: ClinVar variation 4817983 (VCV004817983.1).